The following is an entry in ClinVar:

ClinVar aggregate classification (germline): Uncertain significance. Review status: criteria provided, multiple submitters, no conflicts (2 of 4 stars). 2 submissions from 2 submitters: Uncertain significance (2). Last evaluated 2025-01-28.

Allele frequency attached by ClinVar (database versions not stated): gnomAD exomes below 0.00001.
gnomAD v4.1: 4 of 1,614,034 alleles (0.00025%); highest among the groups gnomAD compares: South Asian, 0.0011%; no homozygotes.

Submissions (2):

Women's Health and Genetics/Laboratory Corporation of America, LabCorp
Classification: Uncertain significance. Last evaluated: 2025-01-28. Review status: criteria provided, single submitter. Criteria: LabCorp Variant Classification Summary - May 2015. Collection method: clinical testing. Allele origin: germline.
Comment: Variant summary: CNGB1 c.2057A>G (p.Asp686Gly) results in a non-conservative amino acid change in the encoded protein sequence. Four of five in-silico tools predict a benign effect of the variant on protein function. The variant was absent in 249568 control chromosomes. The available data on variant occurrences in the general population are insufficient to allow any conclusion about variant significance. c.2057A>G has been reported in the literature in an individual affected with retinal degeneration (Zampaglione_2020). This report does not provide unequivocal conclusions about association of the variant with Retinitis Pigmentosa. To our knowledge, no experimental evidence demonstrating an impact on protein function has been reported. The following publication has been ascertained in the context of this evaluation (PMID: 32037395). ClinVar contains an entry for this variant (Variation ID: 957669). Based on the evidence outlined above, the variant was classified as uncertain significance.

Labcorp Genetics (formerly Invitae), Labcorp
Classification: Uncertain significance. Last evaluated: 2019-08-05. Review status: criteria provided, single submitter. Criteria: Invitae Variant Classification Sherloc (09022015). Collection method: clinical testing. Allele origin: germline.
Comment: In summary, the available evidence is currently insufficient to determine the role of this variant in disease. Therefore, it has been classified as a Variant of Uncertain Significance. Algorithms developed to predict the effect of missense changes on protein structure and function output the following: SIFT: "Tolerated"; PolyPhen-2: "Benign"; Align-GVGD: "Class C0". The glycine amino acid residue is found in multiple mammalian species, suggesting that this missense change does not adversely affect protein function. These predictions have not been confirmed by published functional studies and their clinical significance is uncertain. This variant has not been reported in the literature in individuals with CNGB1-related conditions. This variant is not present in population databases (ExAC no frequency). This sequence change replaces aspartic acid with glycine at codon 686 of the CNGB1 protein (p.Asp686Gly). The aspartic acid residue is weakly conserved and there is a moderate physicochemical difference between aspartic acid and glycine.

Literature cited by the submitters: PubMed 32037395 (cited by Women's Health and Genetics/Laboratory Corporation of America, LabCorp).

NM_001297.5(CNGB1):c.2057A>G (p.Asp686Gly)

Gene: CNGB1 (cyclic nucleotide gated channel subunit beta 1; minus strand). Cytogenetic location: 16q21.
Variant type: single nucleotide variant.
Coding change: c.2057A>G on transcript NM_001297.5 (MANE Select); coding-DNA position 2057, A replaced by G.
Protein change: p.Asp686Gly; replaces aspartic acid 686 with glycine.
Molecular consequence: missense variant.
Genome position (GRCh38, 1-based): chr16:57,917,377, T>C on the plus strand (A>G on the coding strand, the complement: CNGB1 is on the minus strand). VCF-style: chr16-57917377-T-C. GRCh37 (hg19) VCF-style: chr16-57951281-T-C.
Other names: c.2039A>G, p.Asp680Gly (NM_001286130.2); short protein forms D686G, D680G.
Identifiers: ClinVar variation 957669 (VCV000957669.11), dbSNP rs1960898681, ClinGen allele CA396064376.